The following is an entry in ClinVar:

ClinVar aggregate classification (germline): Likely pathogenic (1 of 4 stars; one submission).

gnomAD v4.1: 1 of 1,210,940 alleles (0.000083%); highest among the groups gnomAD compares: Non-Finnish European, 0.00011%; no homozygotes.

Submission:

GeneDx
Classification: Likely pathogenic. Last evaluated: 2024-02-20. Review status: criteria provided, single submitter. Criteria: GeneDx Variant Classification Process June 2021. Collection method: clinical testing. Allele origin: germline. Affected: yes.
Comment: Not observed at significant frequency in large population cohorts (gnomAD); In silico analysis supports that this missense variant has a deleterious effect on protein structure/function; This variant is associated with the following publications: (PMID: 31406558)

NM_003491.4(NAA10):c.236G>A (p.Arg79His)

Gene: NAA10 (N-alpha-acetyltransferase 10, NatA catalytic subunit; minus strand). Cytogenetic location: Xq28.
Variant type: single nucleotide variant.
Coding change: c.236G>A on transcript NM_003491.4 (MANE Select); coding-DNA position 236, G replaced by A.
Protein change: p.Arg79His; replaces arginine 79 with histidine.
Molecular consequence: missense variant.
Genome position (GRCh38, 1-based): chrX:153,932,421, C>T on the plus strand (G>A on the coding strand, the complement: NAA10 is on the minus strand). VCF-style: chrX-153932421-C-T. GRCh37 (hg19) VCF-style: chrX-153197874-C-T.
Other names: c.236G>A, p.Arg79His (NM_001256119.2); c.218G>A, p.Arg73His (NM_001256120.2); short protein forms R73H, R79H.
Identifiers: ClinVar variation 1211059 (VCV001211059.4), dbSNP rs2148535277, ClinGen allele CA415159514.